The following is an entry in ClinVar:

ClinVar aggregate classification (germline): Likely pathogenic (1 of 4 stars; one submission).

Submission:

Labcorp Genetics (formerly Invitae), Labcorp
Classification: Likely pathogenic. Last evaluated: 2021-04-09. Review status: criteria provided, single submitter. Criteria: Invitae Variant Classification Sherloc (09022015). Collection method: clinical testing. Allele origin: germline.
Comment: Studies have shown that this variant is associated with the activation of a cryptic splice site in intron 35 (PMID: 21505094). This sequence change falls in intron 35 of the COL4A5 gene. It does not directly change the encoded amino acid sequence of the COL4A5 protein. RNA analysis indicates that this variant induces altered splicing and likely results in the gain of one amino acid residue(s), but is expected to preserve the integrity of the reading-frame. This variant is not present in population databases (ExAC no frequency). This variant has been observed in individual(s) with clinical features of Alport syndrome (PMID: 29959198, 21505094). ClinVar contains an entry for this variant (Variation ID: 38773). In summary, the currently available evidence indicates that the variant is pathogenic, but additional data are needed to prove that conclusively. Therefore, this variant has been classified as Likely Pathogenic.

Literature cited by the submitters: PubMed 21505094; PubMed 29959198.

NM_033380.3(COL4A5):c.3107-4A>G

Gene: COL4A5 (collagen type IV alpha 5 chain; plus strand). Cytogenetic location: Xq22.3.
Variant type: single nucleotide variant.
Coding change: c.3107-4A>G on transcript NM_033380.3 (MANE Select); 4 bases into the intron before coding-DNA position 3107, A replaced by G.
Molecular consequence: intron variant.
Genome position (GRCh38, 1-based): chrX:108,626,206, A>G. VCF-style: chrX-108626206-A-G. GRCh37 (hg19) VCF-style: chrX-107869436-A-G.
Other names: c.3107-4A>G (NM_000495.5).
Identifiers: ClinVar variation 1465065 (VCV001465065.6), dbSNP rs397515497, ClinGen allele CA261090.